The following is an entry in ClinVar:

NM_004463.3(FGD1):c.2020GAG[2] (p.Glu676del)

Gene: FGD1 (FYVE, RhoGEF and PH domain containing 1; minus strand). Cytogenetic location: Xp11.22.
Variant type: Microsatellite.
Coding change: c.2020GAG[2] on transcript NM_004463.3 (MANE Select); two copies in a row of the 3-base unit GAG starting at c.2020; the reference has three copies in a row; one copy, 3 bases deleted; also written c.2026_2028del.
Protein change: p.Glu676del; deletes glutamic acid 676.
Molecular consequence: inframe deletion.
Genome position (GRCh38, 1-based): chrX:54,450,289-54,450,291, CTC deleted on the plus strand (GAG on the coding strand, the reverse complement: FGD1 is on the minus strand); deleting any 3 consecutive bases within chrX:54,450,289-54,450,297 gives the same sequence; the position shown is the placement nearest the transcript's 3' end. VCF-style (leftmost placement, unchanged base first): chrX-54450288-TCTC-T. GRCh37 (hg19) VCF-style: chrX-54476721-TCTC-T.
Other names: c.2026_2028delGAG (NM_004463.2); c.2026_2028del (NM_004463.2); short protein forms E676del.
Identifiers: ClinVar variation 1784649 (VCV001784649.4), dbSNP rs2522693820, ClinGen allele CA2579621585.

ClinVar aggregate classification (germline): Likely pathogenic. Review status: criteria provided, multiple submitters, no conflicts (2 of 4 stars). 3 submissions from 3 submitters: Likely pathogenic (3). Last evaluated 2025-02-05.

Conditions:
Inborn genetic diseases. Identifiers: MedGen C0950123, MeSH D030342.
FGD1-related disorder. Also called: FGD1-related condition; FGD1-related disorders.

Submissions (3):

GeneDx
Classification: Likely pathogenic. Last evaluated: 2025-02-05. Review status: criteria provided, single submitter. Criteria: GeneDx Variant Classification Process June 2021. Collection method: clinical testing. Allele origin: germline. Affected: yes.
Comment: In-frame deletion of 1 amino acid(s) in a non-repeat region; Not observed at significant frequency in large population cohorts (gnomAD); In silico analysis supports a deleterious effect on protein structure/function; This variant is associated with the following publications: (PMID: 20082460, 34411415, 36964972)

Blueprint Genetics
Classification: Likely pathogenic for FGD1-related disorders. Last evaluated: 2024-07-05. Review status: criteria provided, single submitter. Criteria: ACMG Guidelines, 2015. Collection method: clinical testing. Allele origin: germline. Affected: yes. Observed: 1 variant allele.

Ambry Genetics
Classification: Likely pathogenic for Inborn genetic diseases. Last evaluated: 2017-05-31. Review status: criteria provided, single submitter. Criteria: Ambry Variant Classification Scheme 2023. Collection method: clinical testing. Allele origin: germline.
Comment: The c.2026_2028delGAG variant (also known as p.E676del) is located in coding exon 13 of the FGD1 gene. This variant results from an in-frame GAG deletion at nucleotide positions 2026 to 2028. This results in the in-frame deletion of a glutamic acid at codon 676. This alteration was identified in an individual with Aarskog-Scott syndrome (Orrico A et al. Am. J. Med. Genet. A, 2010 Feb;152A:313-8). This variant is located in the FGD pleckstrin homology domain and is indicated to be structurally deleterious (Ambry internal data; Pang X et al. Dev. Cell, 2014Oct;31:73-86). This amino acid position is highly conserved in available vertebrate species. In addition, this alteration is predicted to be deleterious by Provean in silico analysis. Based on the majority of available evidence to date, this variant is likely to be pathogenic.

Literature cited by the submitters: PubMed 20082460 (cited by Ambry Genetics); PubMed 25284369 (cited by Ambry Genetics).